The following is an entry in ClinVar:

NM_080680.3(COL11A2):c.4747G>T (p.Asp1583Tyr)

Gene: COL11A2 (collagen type XI alpha 2 chain; minus strand). Cytogenetic location: 6p21.32.
Variant type: single nucleotide variant.
Coding change: c.4747G>T on transcript NM_080680.3 (MANE Select); coding-DNA position 4747, G replaced by T.
Protein change: p.Asp1583Tyr; replaces aspartic acid 1583 with tyrosine.
Molecular consequence: missense variant.
Genome position (GRCh38, 1-based): chr6:33,165,552, C>A on the plus strand (G>T on the coding strand, the complement: COL11A2 is on the minus strand). VCF-style: chr6-33165552-C-A. GRCh37 (hg19) VCF-style: chr6-33133329-C-A.
Other names: c.4567G>T, p.Asp1523Tyr (NM_001424108.1); c.3901G>T, p.Asp1301Tyr (NM_001424109.1); c.3721G>T, p.Asp1241Tyr (NM_001424110.1, NM_001424111.1); c.2701G>T, p.Asp901Tyr (NM_001424112.1); c.4426G>T, p.Asp1476Tyr (NM_080679.3); c.4489G>T, p.Asp1497Tyr (NM_080681.3); short protein forms D1241Y, D1583Y, D1497Y, D901Y, D1476Y, D1301Y, D1523Y.
Identifiers: ClinVar variation 4729415 (VCV004729415.1).

ClinVar aggregate classification (germline): Uncertain significance (1 of 4 stars; one submission).

gnomAD v4.1: 3 of 1,612,684 alleles (0.00019%); highest among the groups gnomAD compares: Admixed American, 0.005%; no homozygotes.

Submission:

Labcorp Genetics (formerly Invitae), Labcorp
Classification: Uncertain significance. Last evaluated: 2025-10-21. Review status: criteria provided, single submitter. Criteria: Invitae Variant Classification Sherloc (09022015). Collection method: clinical testing. Allele origin: germline.
Comment: This sequence change replaces aspartic acid, which is acidic and polar, with tyrosine, which is neutral and polar, at codon 1583 of the COL11A2 protein (p.Asp1583Tyr). The frequency data for this variant in the population databases is considered unreliable, as metrics indicate poor data quality at this position in the gnomAD database. This variant has not been reported in the literature in individuals affected with COL11A2-related conditions. Invitae Evidence Modeling of protein sequence and biophysical properties (such as structural, functional, and spatial information, amino acid conservation, physicochemical variation, residue mobility, and thermodynamic stability) has been performed for this missense variant. However, the output from this modeling did not meet the statistical confidence thresholds required to predict the impact of this variant on COL11A2 protein function. In summary, the available evidence is currently insufficient to determine the role of this variant in disease. Therefore, it has been classified as a Variant of Uncertain Significance.